The following is an entry in ClinVar:

NM_024675.4(PALB2):c.1733del (p.Ser578fs)

Gene: PALB2 (partner and localizer of BRCA2; minus strand). Cytogenetic location: 16p12.2.
Variant type: Deletion.
Coding change: c.1733del on transcript NM_024675.4 (MANE Select); coding-DNA position 1733, one base deleted (G; older notation c.1733delG).
Protein change: p.Ser578fs; shifts the reading frame from serine 578.
Molecular consequence: frameshift variant. On other transcripts: 5 prime UTR variant (2), intron variant (1).
Genome position (GRCh38, 1-based): chr16:23,630,421, C deleted on the plus strand (G on the coding strand, the reverse complement: PALB2 is on the minus strand). VCF-style (leftmost placement, unchanged base first): chr16-23630420-AC-A. GRCh37 (hg19) VCF-style: chr16-23641741-AC-A.
Other names: c.1673del, p.Ser558fs (NM_001407296.1); c.1733del, p.Ser578fs (NM_001407297.1, NM_001407298.1, NM_001407299.1 and 3 more transcripts); c.848del, p.Ser283fs (NM_001407304.1, NM_001407305.1, NM_001407306.1 and 5 more transcripts); c.-56del (NM_001407312.1, NM_001407313.1); c.49-1146del (NM_001407314.1); short protein forms S283fs, S558fs, S578fs.
Identifiers: ClinVar variation 2673864 (VCV002673864.1), dbSNP rs2506438451, ClinGen allele CA2695197533.

ClinVar aggregate classification (germline): Pathogenic (1 of 4 stars; one submission).

Conditions:
Familial cancer of breast. Also called: Hereditary breast cancer; BREAST CANCER, FAMILIAL; hereditary breast carcinoma. Identifiers: Orphanet 227535, MedGen C0346153, MONDO:0016419, OMIM 114480. Disease mechanism: loss of function.

Submission:

Myriad Genetics, Inc.
Classification: Pathogenic for Familial cancer of breast. Last evaluated: 2023-09-11. Review status: criteria provided, single submitter. Criteria: Myriad Autosomal Dominant, Autosomal Recessive and X-Linked Classification Criteria (2023). Collection method: clinical testing. Allele origin: unknown.
Comment: This variant is considered pathogenic. This variant creates a frameshift predicted to result in premature protein truncation.